The following is an entry in ClinVar:

ClinVar aggregate classification (germline): Uncertain significance (1 of 4 stars; one submission).

Submission:

Ambry Genetics
Classification: Uncertain significance. Last evaluated: 2023-05-08. Review status: criteria provided, single submitter. Criteria: Ambry Variant Classification Scheme 2023. Collection method: clinical testing. Allele origin: germline.
Comment: Does not currently meet published gene-disease clinical validity criteria Based on insufficient or conflicting evidence, the clinical significance of this alteration remains unclear.

Literature cited by the submitters: PubMed 28106320.

NM_001486.4(GCKR):c.829G>T (p.Ala277Ser)

Gene: GCKR (glucokinase regulator; plus strand). Cytogenetic location: 2p23.3.
Variant type: single nucleotide variant.
Coding change: c.829G>T on transcript NM_001486.4 (MANE Select); coding-DNA position 829, G replaced by T.
Protein change: p.Ala277Ser; replaces alanine 277 with serine.
Molecular consequence: missense variant.
Genome position (GRCh38, 1-based): chr2:27,505,796, G>T. VCF-style: chr2-27505796-G-T. GRCh37 (hg19) VCF-style: chr2-27728663-G-T.
Other names: short protein forms A277S.
Identifiers: ClinVar variation 2537896 (VCV002537896.2), dbSNP rs2466112900, ClinGen allele CA346416062.